The following is an entry in ClinVar:

NM_001160148.2(DDHD1):c.1778T>C (p.Ile593Thr)

Gene: DDHD1 (DDHD domain containing 1; minus strand). Cytogenetic location: 14q22.1.
Variant type: single nucleotide variant.
Coding change: c.1778T>C on transcript NM_001160148.2 (MANE Select); coding-DNA position 1778, T replaced by C.
Protein change: p.Ile593Thr; replaces isoleucine 593 with threonine.
Molecular consequence: missense variant.
Genome position (GRCh38, 1-based): chr14:53,061,190, A>G on the plus strand (T>C on the coding strand, the complement: DDHD1 is on the minus strand). VCF-style: chr14-53061190-A-G. GRCh37 (hg19) VCF-style: chr14-53527908-A-G.
Other names: c.1778T>C (NM_001160148.1); c.1799T>C, p.Ile600Thr (NM_001160147.2); c.1778T>C, p.Ile593Thr (NM_030637.3); short protein forms I600T, I593T.
Identifiers: ClinVar variation 1479091 (VCV001479091.7), dbSNP rs534395173, ClinGen allele CA7191134.

ClinVar aggregate classification (germline): Uncertain significance. Review status: criteria provided, multiple submitters, no conflicts (2 of 4 stars). 2 submissions from 2 submitters: Uncertain significance (2). Last evaluated 2023-10-27.

Conditions:
Inborn genetic diseases. Identifiers: MedGen C0950123, MeSH D030342.
Hereditary spastic paraplegia 28. Also called: Spastic paraplegia 28, autosomal recessive. Identifiers: Orphanet 101008, MedGen C1836295, MONDO:0012256, OMIM 609340.

Allele frequency attached by ClinVar (database versions not stated): gnomAD 0.00001; gnomAD exomes 0.00001 and 0.00002; ExAC 0.00002; TOPMed 0.00002; 1000 Genomes Project 30x 0.00016; 1000 Genomes Project 0.00020.
gnomAD v4.1: 14 of 1,610,846 alleles (0.00087%); highest among the groups gnomAD compares: Admixed American, 0.0085%; no homozygotes.

Submissions (2):

Ambry Genetics
Classification: Uncertain significance for Inborn genetic diseases. Last evaluated: 2023-10-27. Review status: criteria provided, single submitter. Criteria: Ambry Variant Classification Scheme 2023. Collection method: clinical testing. Allele origin: germline.

Labcorp Genetics (formerly Invitae), Labcorp
Classification: Uncertain significance for Hereditary spastic paraplegia 28. Last evaluated: 2021-10-31. Review status: criteria provided, single submitter. Criteria: Invitae Variant Classification Sherloc (09022015). Collection method: clinical testing. Allele origin: germline.
Comment: This variant is present in population databases (rs534395173, gnomAD 0.009%). This variant has not been reported in the literature in individuals affected with DDHD1-related conditions. Algorithms developed to predict the effect of missense changes on protein structure and function are either unavailable or do not agree on the potential impact of this missense change (SIFT: "Deleterious"; PolyPhen-2: "Benign"; Align-GVGD: "Class C0"). In summary, the available evidence is currently insufficient to determine the role of this variant in disease. Therefore, it has been classified as a Variant of Uncertain Significance. This sequence change replaces isoleucine, which is neutral and non-polar, with threonine, which is neutral and polar, at codon 600 of the DDHD1 protein (p.Ile600Thr).